The following is an entry in ClinVar:

ClinVar aggregate classification (germline): Benign/Likely benign. Review status: criteria provided, multiple submitters, no conflicts (2 of 4 stars). 11 submissions from 11 submitters: Benign (2); Likely benign (4). 5 of the submissions do not count toward it. Last evaluated 2026-01-28.

Conditions:
CREBBP-related disorder. Also called: CREBBP-related condition; CREBBP-related disorders.
Rubinstein-Taybi syndrome (RSTS). Identifiers: Orphanet 783, MedGen C0035934, MONDO:0019188.
Inborn genetic diseases. Identifiers: MedGen C0950123, MeSH D030342.

Allele frequency attached by ClinVar (database versions not stated): gnomAD exomes 0.00032 and 0.00052; ESP Exome Variant Server 0.00033; ExAC 0.00037; TOPMed 0.00040; gnomAD 0.00042 and 0.00044.
gnomAD v4.1: 764 of 1,531,896 alleles (0.05%); highest among the groups gnomAD compares: Non-Finnish European, 0.063%; no homozygotes.

Submissions (11):

Labcorp Genetics (formerly Invitae), Labcorp
Classification: Benign for Rubinstein-Taybi syndrome. Last evaluated: 2026-01-28. Review status: criteria provided, single submitter. Criteria: Invitae Variant Classification Sherloc (09022015). Collection method: clinical testing. Allele origin: germline.

CeGaT Center for Human Genetics Tuebingen
Classification: Likely benign. Last evaluated: 2025-06-01. Review status: criteria provided, single submitter. Criteria: CeGaT Center For Human Genetics Tuebingen Variant Classification Criteria Version 2. Collection method: clinical testing. Allele origin: germline. Affected: yes. Observed: 1 variant allele.
Comment: CREBBP: PP2, BS1

Mayo Clinic Laboratories, Mayo Clinic
Classification: Likely benign. Last evaluated: 2025-02-05. Review status: criteria provided, single submitter. Criteria: ACMG Guidelines, 2015. Collection method: clinical testing. Allele origin: germline. Observed: 1 variant allele.
Comment: BS1, BP4

Blueprint Genetics
Classification: Likely benign. Last evaluated: 2024-07-09. Review status: criteria provided, single submitter. Criteria: ACMG Guidelines, 2015. Collection method: clinical testing. Allele origin: germline.

GeneDx
Classification: Benign. Last evaluated: 2020-09-18. Review status: criteria provided, single submitter. Criteria: GeneDx Variant Classification Process June 2021. Collection method: clinical testing. Allele origin: germline. Affected: yes.
Comment: This variant is associated with the following publications: (PMID: 24728327)

Ambry Genetics
Classification: Likely benign for Inborn genetic diseases. Last evaluated: 2019-06-19. Review status: criteria provided, single submitter. Criteria: Ambry Variant Classification Scheme 2023. Collection method: clinical testing. Allele origin: germline.

PreventionGenetics, part of Exact Sciences
Classification: Likely benign for CREBBP-related condition. Last evaluated: 2021-11-22. Review status: no assertion criteria provided. Collection method: clinical testing. Allele origin: germline. Not counted in ClinVar's aggregate classification.
Comment: This variant is classified as likely benign based on ACMG/AMP sequence variant interpretation guidelines (Richards et al. 2015 PMID: 25741868, with internal and published modifications).

ITMI
No classification provided. Condition: AllHighlyPenetrant. Last evaluated: 2013-09-19. Review status: no classification provided. Collection method: reference population. Allele origin: germline. Not counted in ClinVar's aggregate classification.
Comment: Please see associated publication for description of ethnicities

Clinical Genetics DNA and cytogenetics Diagnostics Lab, Erasmus MC, Erasmus Medical Center
Classification: Likely benign. Review status: no assertion criteria provided. Collection method: clinical testing. Allele origin: germline. Affected: yes. Study: VKGL Data-share Consensus. Not counted in ClinVar's aggregate classification.

Joint Genome Diagnostic Labs from Nijmegen and Maastricht, Radboudumc and MUMC+
Classification: Likely benign. Review status: no assertion criteria provided. Collection method: clinical testing. Allele origin: germline. Affected: yes. Study: VKGL Data-share Consensus. Not counted in ClinVar's aggregate classification.

Laboratory of Diagnostic Genome Analysis, Leiden University Medical Center (LUMC)
Classification: Likely benign. Review status: no assertion criteria provided. Collection method: clinical testing. Allele origin: germline. Affected: yes. Study: VKGL Data-share Consensus. Not counted in ClinVar's aggregate classification.

Literature cited by the submitters: PubMed 24728327 (cited by ITMI).

NM_004380.3(CREBBP):c.5770G>A (p.Val1924Met)

Gene: CREBBP (CREB binding lysine acetyltransferase; minus strand). Cytogenetic location: 16p13.3.
Variant type: single nucleotide variant.
Coding change: c.5770G>A on transcript NM_004380.3 (MANE Select); coding-DNA position 5770, G replaced by A.
Protein change: p.Val1924Met; replaces valine 1924 with methionine.
Molecular consequence: missense variant.
Genome position (GRCh38, 1-based): chr16:3,729,277, C>T on the plus strand (G>A on the coding strand, the complement: CREBBP is on the minus strand). VCF-style: chr16-3729277-C-T. GRCh37 (hg19) VCF-style: chr16-3779278-C-T.
Other names: p.Val1924Met; c.5656G>A, p.Val1886Met (NM_001079846.1); short protein forms V1924M, V1886M.
Identifiers: ClinVar variation 133939 (VCV000133939.25), dbSNP rs368145743, ClinGen allele CA158197.